The following is an entry in ClinVar:

ClinVar aggregate classification (germline): Uncertain significance. Review status: criteria provided, single submitter (1 of 4 stars). 2 submissions from 2 submitters: Uncertain significance (1). 1 of the submissions does not count toward it. Last evaluated 2017-01-18.

Conditions:
APC-related disorder. Also called: APC-related condition.

Allele frequency attached by ClinVar (database versions not stated): TOPMed 0.00002; gnomAD 0.00004.

Submissions (2):

GeneDx
Classification: Uncertain significance. Last evaluated: 2017-01-18. Review status: criteria provided, single submitter. Criteria: GeneDx Variant Classification (06012015). Collection method: clinical testing. Allele origin: germline. Affected: yes.
Comment: This variant is denoted APC c.-19+3A>G or IVS1+3A>G and consists of a A>G nucleotide substitution at the +3 position of intron 1 of the APC gene. Of note, APC exon 1 is non-coding, and the APC ATG translational start site is located in exon 2. Multiple in silico models predict this variant to damage the nearby natural donor site, and to possibly cause abnormal gene splicing; however, in the absence of RNA or functional studies, the actual effect of this variant is unknown. This variant has not, to our knowledge, been published in the literature as pathogenic or benign. The adenine (A) nucleotide that is altered is conserved across species. Based on currently available information, it is unclear whether APC c.-19+3A>G is pathogenic or benign. We consider it to be a variant of uncertain significance.

PreventionGenetics, part of Exact Sciences
Classification: Uncertain significance for APC-related condition. Last evaluated: 2024-05-15. Review status: no assertion criteria provided. Collection method: clinical testing. Allele origin: germline. Not counted in ClinVar's aggregate classification.
Comment: The APC c.166-28398A>G variant is predicted to interfere with splicing. However, the use of computer prediction programs is not equivalent to functional evidence. In the primary transcript, NM_000038.6, this variant is described as c.-19+3A>G. To our knowledge, this variant has not been reported in the literature. This variant is reported in 0.023% of alleles in individuals of African descent in gnomAD and is interpreted as uncertain in ClinVar. At this time, the clinical significance of this variant is uncertain due to the absence of conclusive functional and genetic evidence.

NM_000038.6(APC):c.-19+3A>G

Gene: APC (APC regulator of WNT signaling pathway; plus strand). Cytogenetic location: 5q22.2.
Variant type: single nucleotide variant.
Coding change: c.-19+3A>G on transcript NM_000038.6 (MANE Select); 3 bases into the intron after 19 bases upstream of the start codon, A replaced by G.
Molecular consequence: intron variant.
Genome position (GRCh38, 1-based): chr5:112,737,928, A>G. VCF-style: chr5-112737928-A-G. GRCh37 (hg19) VCF-style: chr5-112073625-A-G.
Other names: c.-18-16945A>G (NM_001354895.2); c.166-28398A>G (NM_001354897.2, NM_001354902.2, NM_001127511.3 and 1 more transcripts); c.-127+3A>G (NM_001127510.3); c.-49+3A>G (NM_001354898.2, NM_001354904.2); c.-1054+3A>G (NM_001354906.2); c.-19+3A>G (NM_001354896.2, NM_001354903.2, NM_001354899.2); c.-43+3A>G (NM_001354900.2, NM_001354901.2, NM_001354905.2).
Identifiers: ClinVar variation 418823 (VCV000418823.3), dbSNP rs1064793457, ClinGen allele CA16618064.